The following is an entry in ClinVar:

NM_000017.4(ACADS):c.286C>T (p.Leu96=)

Gene: ACADS (acyl-CoA dehydrogenase short chain; plus strand). Cytogenetic location: 12q24.31.
Variant type: single nucleotide variant.
Coding change: c.286C>T on transcript NM_000017.4 (MANE Select); coding-DNA position 286, C replaced by T.
Protein change: p.Leu96=; no amino-acid change (leucine 96 retained).
Molecular consequence: synonymous variant.
Genome position (GRCh38, 1-based): chr12:120,737,061, C>T. VCF-style: chr12-120737061-C-T. GRCh37 (hg19) VCF-style: chr12-121174864-C-T.
Other names: c.286C>T, p.Leu96= (NM_001302554.2).
Identifiers: ClinVar variation 2643399 (VCV002643399.27), dbSNP rs768933897, ClinGen allele CA6830814.

ClinVar aggregate classification (germline): Likely benign. Review status: criteria provided, multiple submitters, no conflicts (2 of 4 stars). 2 submissions from 2 submitters: Likely benign (2). Last evaluated 2025-06-02.

Conditions:
Deficiency of butyryl-CoA dehydrogenase (ACADSD). Also called: SCAD DEFICIENCY, MILD; ACYL-CoA DEHYDROGENASE, SHORT-CHAIN, DEFICIENCY OF; SCADH DEFICIENCY; SCAD Deficiency; ACADS DEFICIENCY; Short-Chain Acyl-CoA Dehydrogenase Deficiency. Identifiers: Orphanet 26792, MedGen C0342783, MONDO:0008722, OMIM 201470. Disease mechanism: May be benign.

Allele frequency attached by ClinVar (database versions not stated): gnomAD 0.00003; gnomAD exomes 0.00003; TOPMed 0.00004; ExAC 0.00013.

Submissions (2):

Labcorp Genetics (formerly Invitae), Labcorp
Classification: Likely benign for Deficiency of butyryl-CoA dehydrogenase. Last evaluated: 2025-06-02. Review status: criteria provided, single submitter. Criteria: Invitae Variant Classification Sherloc (09022015). Collection method: clinical testing. Allele origin: germline.

CeGaT Center for Human Genetics Tuebingen
Classification: Likely benign. Last evaluated: 2022-10-01. Review status: criteria provided, single submitter. Criteria: CeGaT Center For Human Genetics Tuebingen Variant Classification Criteria Version 2. Collection method: clinical testing. Allele origin: germline. Affected: yes. Observed: 1 variant allele.
Comment: ACADS: BP4, BP7